The following is an entry in ClinVar:

NM_000359.3(TGM1):c.1755_1762dup (p.Ala588fs)

Gene: TGM1 (transglutaminase 1; minus strand). Cytogenetic location: 14q12.
Variant type: Duplication.
Coding change: c.1755_1762dup on transcript NM_000359.3 (MANE Select); coding-DNA positions 1755 to 1762, 8 bases duplicated (ACAGGACG; older notation c.1755_1762dupACAGGACG).
Protein change: p.Ala588fs; shifts the reading frame from alanine 588.
Molecular consequence: frameshift variant.
Genome position (GRCh38, 1-based): chr14:24,255,137-24,255,144, CGTCCTGT duplicated on the plus strand (ACAGGACG on the coding strand, the reverse complement: TGM1 is on the minus strand). VCF-style (leftmost placement, unchanged base first): chr14-24255136-G-GCGTCCTGT. GRCh37 (hg19) VCF-style: chr14-24724342-G-GCGTCCTGT.
Other names: c.1755_1762dup (NM_000359.2); short protein forms A588fs.
Identifiers: ClinVar variation 2679180 (VCV002679180.3), dbSNP rs2502494136, ClinGen allele CA2695199804.
Genomic context (GRCh38, chr14:24,255,136, plus strand): 5'-CGGCGGCTGCTGCTGTGATTGATCAGCATCACAGAGACCATCAGATCCTGCCCCATCACC[G>GCGTCCTGT]CGTCCTGTGCCTCCACCTGCATGGCCACATCCTCCGCTGAGCCCCGGTTGGCATACACAT-3'

ClinVar aggregate classification (germline): Likely pathogenic. Review status: criteria provided, multiple submitters, no conflicts (2 of 4 stars). 2 submissions from 2 submitters: Likely pathogenic (2). Last evaluated 2025-03-03.

Conditions:
Autosomal recessive congenital ichthyosis 1 (LI1). Also called: ICHTHYOSIS, CONGENITAL, AUTOSOMAL RECESSIVE 1, WITH BATHING SUIT DISTRIBUTION; ICHTHYOSIS, CONGENITAL, AUTOSOMAL RECESSIVE 1, WITH OR WITHOUT BATHING SUIT DISTRIBUTION; COLLODION FETUS; DESQUAMATION OF NEWBORN; ICHTHYOSIS CONGENITA; ICHTHYOSIS CONGENITA II. Identifiers: MedGen C4551630, MONDO:0009441, OMIM 242300.

Submissions (2):

Natera, Inc.
Classification: Likely pathogenic for Autosomal recessive congenital ichthyosis type 1. Last evaluated: 2025-03-03. Review status: criteria provided, single submitter. Criteria: Natera Variant Classification Schema (03/2026). Collection method: clinical testing. Allele origin: germline.
Comment: The c.1755_1762dup variant in TGM1 is a frameshift variant predicted to shift the reading frame beginning at codon 588 and leads to a stop codon 5 codons downstream. This variant is expected to result in nonsense mediated decay, truncation, or a dysfunctional protein product. This variant is rare in the general population with a frequency below the threshold expected for the associated phenotype(s). Given the available evidence, this variant is classified as Likely Pathogenic.

Baylor Genetics
Classification: Likely pathogenic for Autosomal recessive congenital ichthyosis 1. Last evaluated: 2023-03-27. Review status: criteria provided, single submitter. Criteria: ACMG Guidelines, 2015. Collection method: clinical testing. Allele origin: unknown.